The following is an entry in ClinVar:

NM_032520.5(GNPTG):c.377G>A (p.Gly126Asp)

Gene: GNPTG (N-acetylglucosamine-1-phosphate transferase subunit gamma; plus strand). Cytogenetic location: 16p13.3.
Variant type: single nucleotide variant.
Coding change: c.377G>A on transcript NM_032520.5 (MANE Select); coding-DNA position 377, G replaced by A.
Protein change: p.Gly126Asp; replaces glycine 126 with aspartic acid.
Molecular consequence: missense variant.
Genome position (GRCh38, 1-based): chr16:1,362,097, G>A. VCF-style: chr16-1362097-G-A. GRCh37 (hg19) VCF-style: chr16-1412098-G-A.
Other names: short protein forms G126D.
Identifiers: ClinVar variation 3630023 (VCV003630023.1).
Genomic context (GRCh38, chr16:1,362,097, plus strand): 5'-GCATCTGGCACGAGTGGGAGATCGCCAACAACACCTTCACGGGCATGTGGATGAGGGACG[G>A]TGACGCCTGCCGTTCCCGGAGCCGGCAGAGCAAGGTGGGGCCTCAGACGGGAGCCCGGGA-3'
Protein context (NP_115909.1, residues 116-136): NTFTGMWMRD[Gly126Asp]DACRSRSRQS

ClinVar aggregate classification (germline): Uncertain significance (1 of 4 stars; one submission).

Submission:

Women's Health and Genetics/Laboratory Corporation of America, LabCorp
Classification: Uncertain significance. Last evaluated: 2024-11-18. Review status: criteria provided, single submitter. Criteria: LabCorp Variant Classification Summary - May 2015. Collection method: clinical testing. Allele origin: germline.
Comment: Variant summary: GNPTG c.377G>A (p.Gly126Asp) results in a non-conservative amino acid change located in the Mannose-6-phosphate receptor binding domain (IPR009011) of the encoded protein sequence. Five of five in-silico tools predict a damaging effect of the variant on protein function. The variant was absent in 243906 control chromosomes (gnomAD). The available data on variant occurrences in the general population are insufficient to allow any conclusion about variant significance. c.377G>A has been reported in the literature in at least an individual affected with GNPTG-related conditions (example: Gheldof_2019). This report however, does not provide unequivocal conclusions about association of the variant with mucolipidosis III Gamma. To our knowledge, no experimental evidence demonstrating an impact on protein function has been reported. The following publications have been ascertained in the context of this evaluation (PMID: 30548430, 30882951). No submitters have cited clinical-significance assessments for this variant to ClinVar. Based on the evidence outlined above, the variant was classified as uncertain significance.

Literature cited by the submitters: PubMed 30548430; PubMed 30882951.